The following is an entry in ClinVar:

NM_004946.3(DOCK2):c.3859T>C (p.Tyr1287His)

Gene: DOCK2 (dedicator of cytokinesis 2; plus strand). Cytogenetic location: 5q35.1.
Variant type: single nucleotide variant.
Coding change: c.3859T>C on transcript NM_004946.3 (MANE Select); coding-DNA position 3859, T replaced by C.
Protein change: p.Tyr1287His; replaces tyrosine 1287 with histidine.
Molecular consequence: missense variant. On other transcripts: non-coding transcript variant (1).
Genome position (GRCh38, 1-based): chr5:170,042,115, T>C. VCF-style: chr5-170042115-T-C. GRCh37 (hg19) VCF-style: chr5-169469119-T-C.
Other names: short protein forms Y1287H.
Identifiers: ClinVar variation 1426910 (VCV001426910.5), dbSNP rs754930303, ClinGen allele CA3554343.

ClinVar aggregate classification (germline): Uncertain significance (1 of 4 stars; one submission).

Conditions:
DOCK2 deficiency. Also called: Immunodeficiency 40. Identifiers: Orphanet 447737, MedGen C4225328, MONDO:0014637, OMIM 616433.

Allele frequency attached by ClinVar (database versions not stated): ExAC 0.00001; gnomAD 0.00001; gnomAD exomes 0.00001; TOPMed 0.00001.
gnomAD v4.1: 12 of 1,612,324 alleles (0.00074%); highest among the groups gnomAD compares: Non-Finnish European, 0.00093%; no homozygotes.

Submission:

Labcorp Genetics (formerly Invitae), Labcorp
Classification: Uncertain significance for DOCK2 deficiency. Last evaluated: 2024-10-15. Review status: criteria provided, single submitter. Criteria: Invitae Variant Classification Sherloc (09022015). Collection method: clinical testing. Allele origin: germline.
Comment: This sequence change replaces tyrosine, which is neutral and polar, with histidine, which is basic and polar, at codon 1287 of the DOCK2 protein (p.Tyr1287His). This variant is present in population databases (rs754930303, gnomAD 0.003%). This variant has not been reported in the literature in individuals affected with DOCK2-related conditions. ClinVar contains an entry for this variant (Variation ID: 1426910). An algorithm developed to predict the effect of missense changes on protein structure and function (PolyPhen-2) suggests that this variant is likely to be disruptive. In summary, the available evidence is currently insufficient to determine the role of this variant in disease. Therefore, it has been classified as a Variant of Uncertain Significance.